The following is an entry in ClinVar:

ClinVar aggregate classification (germline): Pathogenic (1 of 4 stars; one submission).

Conditions:
Polycystic kidney disease 2 (PKD2). Also called: Polycystic Kidney Disease 2, Autosomal Dominant; POLYCYSTIC KIDNEY DISEASE, ADULT, TYPE II; POLYCYSTIC KIDNEY DISEASE 2 WITH OR WITHOUT POLYCYSTIC LIVER DISEASE. Identifiers: MedGen C2751306, MONDO:0013131, OMIM 613095.

Submission:

Victorian Clinical Genetics Services, Murdoch Childrens Research Institute
Classification: Pathogenic for Polycystic kidney disease 2. Last evaluated: 2023-12-21. Review status: criteria provided, single submitter. Criteria: ACMG Guidelines, 2015. Collection method: clinical testing. Allele origin: germline. Inheritance: Autosomal dominant inheritance. Affected: yes.
Comment: Based on the classification scheme VCGS_Germline_v1.3.4, this variant is classified as Pathogenic. Following criteria are met: 0102 - Loss of function is a known mechanism of disease in this gene and is associated with polycystic kidney disease 2 (MIM#613095). (I) 0107 - This gene is associated with autosomal dominant disease. (I) 0201 - Variant is predicted to cause nonsense-mediated decay (NMD) and loss of protein (premature termination codon is located at least 54 nucleotides upstream of the final exon-exon junction). (SP) 0251 - This variant is heterozygous. (I) 0301 - Variant is absent from gnomAD (both v2 and v3). (SP) 0701 - Other NMD predicted variants comparable to the one identified in this case have very strong previous evidence for pathogenicity (DECIPHER, ClinVar). (SP) 0803 - This variant has limited previous evidence of pathogenicity in an unrelated individual. This variant has been reported in an individual with polycystic kidney disease (PMID: 22863349). (SP) 0905 - No published segregation evidence has been identified for this variant. (I) 1007 - No published functional evidence has been identified for this variant. (I) 1208 - Inheritance information for this variant is not currently available in this individual. (I) Legend: (SP) - Supporting pathogenic, (I) - Information, (SB) - Supporting benign

Literature cited by the submitters: PubMed 22863349.

NM_000297.4(PKD2):c.2085_2087delinsGG (p.Ala696fs)

Gene: PKD2 (polycystin 2, transient receptor potential cation channel; plus strand). Cytogenetic location: 4q22.1.
Variant type: Indel.
Coding change: c.2085_2087delinsGG on transcript NM_000297.4 (MANE Select); coding-DNA positions 2085 to 2087, AGC replaced by GG.
Protein change: p.Ala696fs; shifts the reading frame from alanine 696.
Molecular consequence: frameshift variant. On other transcripts: non-coding transcript variant (1).
Genome position (GRCh38, 1-based): chr4:88,061,971-88,061,973, AGC replaced by GG. VCF-style: chr4-88061971-AGC-GG. GRCh37 (hg19) VCF-style: chr4-88983123-AGC-GG.
Other names: short protein forms A696fs.
Identifiers: ClinVar variation 3255040 (VCV003255040.1), dbSNP rs2475970344.